The following is an entry in ClinVar:

ClinVar aggregate classification (germline): Uncertain significance (1 of 4 stars; one submission).

Conditions:
Amyotrophic lateral sclerosis type 1 (ALS1). Also called: AMYOTROPHIC LATERAL SCLEROSIS 1, FAMILIAL. Identifiers: Orphanet 803, MedGen C1862939, MONDO:0007103, OMIM 105400.
Perry syndrome. Also called: PARKINSONISM WITH ALVEOLAR HYPOVENTILATION AND MENTAL DEPRESSION. Identifiers: Orphanet 178509, MedGen C1868594, MONDO:0008201, OMIM 168605.
Neuronopathy, distal hereditary motor, type 7B. Also called: HMN VIIB; Distal Hereditary Motor Neuronopathy Type 7B (dHMN7B); LOWER MOTOR NEURON DISEASE, DYNACTIN TYPE; NEURONOPATHY, DISTAL HEREDITARY MOTOR, AUTOSOMAL DOMINANT 14; NEURONOPATHY, DISTAL HEREDITARY MOTOR, HARDING TYPE VIIB; NEUROPATHY, DISTAL HEREDITARY MOTOR, HARDING TYPE VIIB. Identifiers: Orphanet 139589, MedGen C1843315, MONDO:0011879, OMIM 607641.

Allele frequency attached by ClinVar (database versions not stated): gnomAD exomes below 0.00001.
gnomAD v4.1: 2 of 1,613,960 alleles (0.00012%); highest among the groups gnomAD compares: Non-Finnish European, 0.000085%; no homozygotes.

Submission:

Labcorp Genetics (formerly Invitae), Labcorp
Classification: Uncertain significance for Amyotrophic lateral sclerosis type 1; Neuronopathy, distal hereditary motor, type 7B; Perry syndrome. Last evaluated: 2020-12-25. Review status: criteria provided, single submitter. Criteria: Invitae Variant Classification Sherloc (09022015). Collection method: clinical testing. Allele origin: germline.
Comment: In summary, the available evidence is currently insufficient to determine the role of this variant in disease. Therefore, it has been classified as a Variant of Uncertain Significance. Algorithms developed to predict the effect of sequence changes on RNA splicing suggest that this variant may create or strengthen a splice site, but this prediction has not been confirmed by published transcriptional studies. Algorithms developed to predict the effect of missense changes on protein structure and function output the following: SIFT: "Deleterious"; PolyPhen-2: "Benign"; Align-GVGD: "Class C25". The arginine amino acid residue is found in multiple mammalian species, suggesting that this missense change does not adversely affect protein function. These predictions have not been confirmed by published functional studies and their clinical significance is uncertain. This variant has not been reported in the literature in individuals with DCTN1-related conditions. This variant is not present in population databases (ExAC no frequency). This sequence change replaces histidine with arginine at codon 1109 of the DCTN1 protein (p.His1109Arg). The histidine residue is highly conserved and there is a small physicochemical difference between histidine and arginine.

NM_004082.5(DCTN1):c.3326A>G (p.His1109Arg)

Gene: DCTN1 (dynactin subunit 1; minus strand). Cytogenetic location: 2p13.1.
Variant type: single nucleotide variant.
Coding change: c.3326A>G on transcript NM_004082.5 (MANE Select); coding-DNA position 3326, A replaced by G.
Protein change: p.His1109Arg; replaces histidine 1109 with arginine.
Molecular consequence: missense variant. On other transcripts: non-coding transcript variant (1).
Genome position (GRCh38, 1-based): chr2:74,363,313, T>C on the plus strand (A>G on the coding strand, the complement: DCTN1 is on the minus strand). VCF-style: chr2-74363313-T-C. GRCh37 (hg19) VCF-style: chr2-74590440-T-C.
Other names: c.2909A>G, p.His970Arg (NM_001135041.3); c.3200A>G, p.His1067Arg (NM_001190836.2); c.3305A>G, p.His1102Arg (NM_001190837.2); c.3275A>G, p.His1092Arg (NM_001378991.1); c.3257A>G, p.His1086Arg (NM_001378992.1); c.2924A>G, p.His975Arg (NM_023019.4); c.3251A>G, p.His1084Arg (NM_001135040.3); short protein forms H1086R, H1092R, H1067R, H1109R, H1084R, H1102R, H970R, H975R.
Identifiers: ClinVar variation 1482283 (VCV001482283.8), dbSNP rs1244901384, ClinGen allele CA347337529.
Genomic context (GRCh38, chr2:74,363,313, plus strand): 5'-TGCTCCATCTCCCATCCCAGTCCTCCCCGTGGCTCCCTCACCTTGAGGATGCTGTTCTCA[T>C]GCTGGAGCTGGGAGATGTGCAGCCTCATGGCAGAGATCTGCTGAAGCAGCAGTGGTGAGT-3'
Protein context (NP_004073.2, residues 1099-1119): AMRLHISQLQ[His1109Arg]ENSILKGAQM